The following is an entry in ClinVar:

ClinVar aggregate classification (germline): Pathogenic (1 of 4 stars; one submission).

Conditions:
GLUT1 deficiency syndrome 1, autosomal recessive. Identifiers: MedGen C3149117.

Submission:

Labcorp Genetics (formerly Invitae), Labcorp
Classification: Pathogenic for GLUT1 deficiency syndrome 1, autosomal recessive. Last evaluated: 2022-05-19. Review status: criteria provided, single submitter. Criteria: Invitae Variant Classification Sherloc (09022015). Collection method: clinical testing. Allele origin: germline.
Comment: This sequence change creates a premature translational stop signal (p.Gln397*) in the SLC2A1 gene. It is expected to result in an absent or disrupted protein product. Loss-of-function variants in SLC2A1 are known to be pathogenic (PMID: 21832227, 26193382). For these reasons, this variant has been classified as Pathogenic. This variant is also known as 1368C>T. This premature translational stop signal has been observed in individual(s) with glucose transporter type 1 deficiency syndrome (PMID: 15622525, 23306390). This variant is not present in population databases (gnomAD no frequency).

Literature cited by the submitters: PubMed 21832227; PubMed 26193382; PubMed 15622525; PubMed 23306390.

NM_006516.4(SLC2A1):c.1189C>T (p.Gln397Ter)

Gene: SLC2A1 (solute carrier family 2 member 1; minus strand). Cytogenetic location: 1p34.2.
Variant type: single nucleotide variant.
Coding change: c.1189C>T on transcript NM_006516.4 (MANE Select); coding-DNA position 1189, C replaced by T.
Protein change: p.Gln397Ter; replaces glutamine 397 with a stop codon.
Molecular consequence: nonsense.
Genome position (GRCh38, 1-based): chr1:42,927,694, G>A on the plus strand (C>T on the coding strand, the complement: SLC2A1 is on the minus strand). VCF-style: chr1-42927694-G-A. GRCh37 (hg19) VCF-style: chr1-43393365-G-A.
Other names: short protein forms Q397*.
Identifiers: ClinVar variation 2202738 (VCV002202738.4), dbSNP rs80359827, ClinGen allele CA21249167.